The following is an entry in ClinVar:

ClinVar aggregate classification (germline): Pathogenic/Likely pathogenic. Review status: criteria provided, multiple submitters, no conflicts (2 of 4 stars). 6 submissions from 6 submitters: Pathogenic (4); Likely pathogenic (2). Last evaluated 2025-06-15.

Conditions:
Familial cancer of breast. Also called: BREAST CANCER, FAMILIAL; Hereditary breast cancer; hereditary breast carcinoma. Identifiers: Orphanet 227535, MedGen C0346153, MONDO:0016419, OMIM 114480. Disease mechanism: loss of function.
Hereditary cancer-predisposing syndrome. Also called: Neoplastic Syndromes, Hereditary; Tumor predisposition; Hereditary Cancer Syndrome; Hereditary neoplastic syndrome. Identifiers: Orphanet 140162, MedGen C0027672, MeSH D009386, MONDO:0015356.

Submissions (6):

Molecular Diagnostics Laboratory, Catalan Institute of Oncology
Classification: Likely pathogenic for Hereditary cancer-predisposing syndrome. Last evaluated: 2025-06-15. Review status: criteria provided, single submitter. Criteria: ACMG Guidelines, 2015. Collection method: clinical testing. Allele origin: germline.
Comment: PVS1, PM2_Supporting c.157del, located in exon 1 of the BARD1 gene, consists in the deletion of 1 nucleotide, causing a translational frameshift with a predicted alternate stop codon (p.(Cys53Valfs*5)). This alteration is expected to result in loss of function by premature protein truncation and nonsense-mediated mRNA decay (PVS1). It is not present in the population database gnomAD v2.1.1, non cancer dataset (PM2_Supporting). The SpliceAI algorithm predicts no significant impact on splicing. To our knowledge, neither relevant clinical data nor well-stablished functional studies have been reported for this variant. It has only been reported in ClinVar (4x PAT, 1x LPAT). Based on the currently available information, c.157del is classified as a likely pathogenic variant according to ACMG guidelines.

GeneDx
Classification: Likely pathogenic. Last evaluated: 2024-05-13. Review status: criteria provided, single submitter. Criteria: GeneDx Variant Classification Process June 2021. Collection method: clinical testing. Allele origin: germline. Affected: yes.
Comment: Frameshift variant predicted to result in protein truncation or nonsense mediated decay in a gene for which loss of function is a known mechanism of disease; Not observed at significant frequency in large population cohorts (gnomAD); Identified in patients with personal history of breast cancer (PMID: 33498765); This variant is associated with the following publications: (PMID: 30580288, 33498765)

Myriad Genetics, Inc.
Classification: Pathogenic for Familial cancer of breast. Last evaluated: 2023-05-18. Review status: criteria provided, single submitter. Criteria: Myriad Autosomal Dominant, Autosomal Recessive and X-Linked Classification Criteria (2023). Collection method: clinical testing. Allele origin: unknown.
Comment: This variant is considered pathogenic. This variant creates a frameshift predicted to result in premature protein truncation.

Labcorp Genetics (formerly Invitae), Labcorp
Classification: Pathogenic for Familial cancer of breast. Last evaluated: 2022-10-24. Review status: criteria provided, single submitter. Criteria: Invitae Variant Classification Sherloc (09022015). Collection method: clinical testing. Allele origin: germline.
Comment: For these reasons, this variant has been classified as Pathogenic. ClinVar contains an entry for this variant (Variation ID: 926715). This premature translational stop signal has been observed in individual(s) with breast cancer (PMID: 33498765). This variant is not present in population databases (gnomAD no frequency). This sequence change creates a premature translational stop signal (p.Cys53Valfs*5) in the BARD1 gene. It is expected to result in an absent or disrupted protein product. Loss-of-function variants in BARD1 are known to be pathogenic (PMID: 20077502, 21344236).

Ambry Genetics
Classification: Pathogenic for Hereditary cancer-predisposing syndrome. Last evaluated: 2021-10-20. Review status: criteria provided, single submitter. Criteria: Ambry Variant Classification Scheme 2023. Collection method: clinical testing. Allele origin: germline.
Comment: The c.157delT pathogenic mutation, located in coding exon 1 of the BARD1 gene, results from a deletion of one nucleotide at nucleotide position 157, causing a translational frameshift with a predicted alternate stop codon (p.C53Vfs*5). This alteration was detected in two unrelated individuals in a cohort of 4015 Spanish individuals with a personal and/or family history of breast or ovarian cancer who underwent multi-gene panel testing (Rofes P et al. Genes (Basel), 2021 01;12:). This variant is considered to be rare based on population cohorts in the Genome Aggregation Database (gnomAD). In addition to the clinical data presented in the literature, this alteration is expected to result in loss of function by premature protein truncation or nonsense-mediated mRNA decay. As such, this alteration is interpreted as a disease-causing mutation.

Color Diagnostics, LLC DBA Color Health
Classification: Pathogenic for Hereditary cancer-predisposing syndrome. Last evaluated: 2021-07-28. Review status: criteria provided, single submitter. Criteria: ACMG Guidelines, 2015. Collection method: clinical testing. Allele origin: germline.
Comment: This variant deletes 1 nucleotides in exon 1 of the BARD1 gene, creating a frameshift and premature translation stop signal. This variant is expected to result in an absent or non-functional protein product. This variant has been reported in individuals affected with breast cancer (PMID: 33498765). This variant has not been identified in the general population by the Genome Aggregation Database (gnomAD). Loss of BARD1 function is a known mechanism of disease. Based on the available evidence, this variant is classified as Pathogenic.

Literature cited by the submitters: PubMed 33498765 (cited by Labcorp Genetics (formerly Invitae), Labcorp and Ambry Genetics); PubMed 20077502 (cited by Labcorp Genetics (formerly Invitae), Labcorp); PubMed 21344236 (cited by Labcorp Genetics (formerly Invitae), Labcorp).

NM_000465.4(BARD1):c.157del (p.Cys53fs)

Gene: BARD1 (BRCA1 associated RING domain 1; minus strand). Cytogenetic location: 2q35.
Variant type: Deletion.
Coding change: c.157del on transcript NM_000465.4 (MANE Select); coding-DNA position 157, one base deleted (T; older notation c.157delT).
Protein change: p.Cys53fs; shifts the reading frame from cysteine 53.
Molecular consequence: frameshift variant. On other transcripts: non-coding transcript variant (3).
Genome position (GRCh38, 1-based): chr2:214,809,413, A deleted on the plus strand (T on the coding strand, the reverse complement: BARD1 is on the minus strand); the first of 2 consecutive A bases (chr2:214,809,413-214,809,414); deleting either gives the same sequence. VCF-style (leftmost placement, unchanged base first): chr2-214809412-CA-C. GRCh37 (hg19) VCF-style: chr2-215674136-CA-C.
Other names: c.157del, p.Cys53fs (NM_001282543.2, NM_001282545.2, NM_001282548.2 and 1 more transcripts); c.157delT (NM_000465.2); c.157del (NM_000465.2); short protein forms C53fs.
Identifiers: ClinVar variation 926715 (VCV000926715.15), dbSNP rs1696452439, ClinGen allele CA913188058.